The following continues an entry in ClinVar:

NM_000038.6(APC):c.5801C>T (p.Pro1934Leu)

Gene: APC. ClinVar aggregate classification (germline): Conflicting classifications of pathogenicity. Uncertain significance (8); Benign (2); Likely benign (10).

Submissions 13 to 21 of 21:

Genetic Services Laboratory, University of Chicago
Classification: Uncertain significance. Last evaluated: 2020-11-12. Review status: criteria provided, single submitter. Criteria: ACMG Guidelines, 2015. Collection method: clinical testing. Allele origin: germline. Affected: no.
Comment: This sequence change has been described in the gnomAD database with a global population frequency of 0.014% and 0.04% in the Latino sub population (dbSNP rs587780600). This sequence change has been reported in some patients with colorectal adenoma, one patient with adenomatous colorectal polyps and one patient with bilateral breast cancer (PMIDs: 21859464, 18199528 and 26845104). There is some experimental evidence that does not demonstrate damaging effect for this variant (PMID 18199528). The p.Pro1934Leu change affects a highly conserved amino acid residue located in the 20-amino acid repeat beta-catenin down-regulating domain as well as the SAMP repeats/axin binding domain (PMID 18199528). In-silico pathogenicity prediction tools (SIFT, PolyPhen2, Align GVGD, REVEL) provide contradictory results for the p.Pro1934Leu substitution. Due to these contrasting evidences, the clinical significance of the p.Pro1934Leu change remains unknown at this time.

Ambry Genetics
Classification: Benign for Hereditary cancer-predisposing syndrome. Last evaluated: 2020-06-12. Review status: criteria provided, single submitter. Criteria: Ambry Variant Classification Scheme 2023. Collection method: clinical testing. Allele origin: germline.

GeneDx
Classification: Likely benign. Last evaluated: 2020-03-16. Review status: criteria provided, single submitter. Criteria: GeneDx Variant Classification Process June 2021. Collection method: clinical testing. Allele origin: germline. Affected: yes.
Comment: This variant is associated with the following publications: (PMID: 18199528, 27150160, 26580448, 21901162, 25925381, 21859464, 26845104, 28873162, 29684080, 29641532)

Illumina Laboratory Services, Illumina
Classification: Uncertain significance for APC-Associated Polyposis Disorders. Last evaluated: 2019-03-08. Review status: criteria provided, single submitter. Criteria: ICSL Variant Classification Criteria 13 December 2019. Collection method: clinical testing. Allele origin: germline.
Comment: This variant was observed as part of a predisposition screen in an ostensibly healthy population. A literature search was performed for the gene, cDNA change, and amino acid change (where applicable). Publications were found based on this search. However, the evidence from the literature, in combination with allele frequency data from public databases where available, was not sufficient to rule this variant in or out of causing disease. Therefore, this variant is classified as a variant of unknown significance.

Fulgent Genetics
Classification: Uncertain significance for Colorectal cancer; Hepatocellular carcinoma; Desmoid disease, hereditary; Familial adenomatous polyposis 1; Gastric cancer. Last evaluated: 2018-10-31. Review status: criteria provided, single submitter. Criteria: ACMG Guidelines, 2015. Collection method: clinical testing. Allele origin: unknown.

Laboratory for Molecular Medicine, Mass General Brigham Personalized Medicine
Classification: Uncertain significance. Last evaluated: 2016-03-31. Review status: criteria provided, single submitter. Criteria: LMM Criteria. Collection method: clinical testing. Allele origin: germline.
Comment: Variant identified in a genome or exome case(s) and assessed due to predicted null impact of the variant or pathogenic assertions in the literature or databases. Disclaimer: This variant has not undergone full assessment. The following are preliminary notes: 1 report in probands; ExAC: 6/11510 Latino; ClinVar: 3 VUS

CSER _CC_NCGL, University of Washington
Classification: Uncertain significance for Familial adenomatous polyposis. Last evaluated: 2015-12-01. Review status: criteria provided, single submitter. Criteria: Amendola et al. (Genome Res. 2015). Collection method: research. Allele origin: germline. Inheritance: Autosomal dominant inheritance. Study: CSER - NEXT Medicine variant annotation.
Comment: .GERP=6.010.ExAC Alt Allele Frequencies=AFR:0.0%,NFE:0.0106%,EAS:0.0%,SAS:0.0%,FIN:0.0%,AMR:0.0521%,OTH:0.0%.The variant was found in publications with the following PMIDs:18199528;21859464;

University of Washington Department of Laboratory Medicine, University of Washington
Classification: Uncertain significance for Colorectal cancer, susceptibility to. Last evaluated: 2015-11-20. Review status: criteria provided, single submitter. Criteria: Shirts et al. (Genet Med 2016). Collection method: clinical testing. Allele origin: germline. Observed: 1 variant allele.

PreventionGenetics, part of Exact Sciences
Classification: Likely benign for APC-related condition. Last evaluated: 2024-07-01. Review status: no assertion criteria provided. Collection method: clinical testing. Allele origin: germline. Not counted in ClinVar's aggregate classification.
Comment: This variant is classified as likely benign based on ACMG/AMP sequence variant interpretation guidelines (Richards et al. 2015 PMID: 25741868, with internal and published modifications).

Literature cited by the submitters: PubMed 18199528 (cited by 4 submitters); PubMed 29641532 (cited by Department of Pathology and Laboratory Medicine, Sinai Health System and Women's Health and Genetics/Laboratory Corporation of America, LabCorp); PubMed 30267214 (cited by Quest Diagnostics Nichols Institute San Juan Capistrano and Ambry Genetics); PubMed 34426522 (cited by Quest Diagnostics Nichols Institute San Juan Capistrano); PubMed 35264596 (cited by Quest Diagnostics Nichols Institute San Juan Capistrano); PubMed 26845104 (cited by 3 submitters); PubMed 21859464 (cited by Quest Diagnostics Nichols Institute San Juan Capistrano and Women's Health and Genetics/Laboratory Corporation of America, LabCorp); PubMed 27150160 (cited by Quest Diagnostics Nichols Institute San Juan Capistrano); PubMed 21901162 (cited by Quest Diagnostics Nichols Institute San Juan Capistrano); PubMed 25925381 (cited by Quest Diagnostics Nichols Institute San Juan Capistrano); PubMed 26580448 (cited by 3 submitters).